The following is an entry in ClinVar:

ClinVar aggregate classification (germline): Uncertain significance (1 of 4 stars; one submission).

Conditions:
ASXL1-related disorder. Also called: ASXL1-related disorders; ASXL1-related condition.

Submission:

PreventionGenetics, part of Exact Sciences
Classification: Uncertain significance for ASXL1-related condition. Last evaluated: 2025-10-17. Review status: criteria provided, single submitter. Criteria: ACMG Guidelines, 2015. Collection method: clinical testing. Allele origin: germline.
Comment: The ASXL1 c.383A>G variant is predicted to result in the amino acid substitution p.Asp128Gly. To our knowledge, this variant has not been reported in the literature or in a large population database (gnomAD), indicating this variant is rare. At this time, the clinical significance of this variant is uncertain due to the absence of conclusive functional and genetic evidence.

NM_015338.6(ASXL1):c.383A>G (p.Asp128Gly)

Gene: ASXL1 (ASXL transcriptional regulator 1; plus strand). Cytogenetic location: 20q11.21.
Variant type: single nucleotide variant.
Coding change: c.383A>G on transcript NM_015338.6 (MANE Select); coding-DNA position 383, A replaced by G.
Protein change: p.Asp128Gly; replaces aspartic acid 128 with glycine.
Molecular consequence: missense variant.
Genome position (GRCh38, 1-based): chr20:32,428,334, A>G. VCF-style: chr20-32428334-A-G. GRCh37 (hg19) VCF-style: chr20-31016137-A-G.
Other names: c.353A>G, p.Asp118Gly (NM_001363734.1); short protein forms D118G, D128G.
Identifiers: ClinVar variation 4996263 (VCV004996263.1).